The following is an entry in ClinVar:

ClinVar aggregate classification (germline): Conflicting classifications of pathogenicity. Review status: criteria provided, conflicting classifications (1 of 4 stars). 2 submissions from 2 submitters: Uncertain significance (1); Benign (1). Last evaluated 2025-08-11.

Allele frequency attached by ClinVar (database versions not stated): gnomAD exomes below 0.00001; ExAC 0.00001; gnomAD 0.00002; TOPMed 0.00002; ESP Exome Variant Server 0.00009.
gnomAD v4.1: 3 of 1,208,554 alleles (0.00025%); highest among the groups gnomAD compares: African/African-American, 0.0053%; no homozygotes.

Submissions (2):

Labcorp Genetics (formerly Invitae), Labcorp
Classification: Benign. Last evaluated: 2025-08-11. Review status: criteria provided, single submitter. Criteria: Invitae Variant Classification Sherloc (09022015). Collection method: clinical testing. Allele origin: germline.

GeneDx
Classification: Uncertain significance. Last evaluated: 2023-07-12. Review status: criteria provided, single submitter. Criteria: GeneDx Variant Classification Process June 2021. Collection method: clinical testing. Allele origin: germline.
Comment: In silico analysis supports that this variant does not alter splicing; Has not been previously published as pathogenic or benign to our knowledge

NM_031407.7(HUWE1):c.12882C>G (p.Ala4294=)

Gene: HUWE1 (HECT, UBA and WWE domain containing E3 ubiquitin protein ligase 1; minus strand). Cytogenetic location: Xp11.22.
Variant type: single nucleotide variant.
Coding change: c.12882C>G on transcript NM_031407.7 (MANE Select); coding-DNA position 12882, C replaced by G.
Protein change: p.Ala4294=; no amino-acid change (alanine 4294 retained).
Molecular consequence: synonymous variant.
Genome position (GRCh38, 1-based): chrX:53,534,147, G>C on the plus strand (C>G on the coding strand, the complement: HUWE1 is on the minus strand). VCF-style: chrX-53534147-G-C. GRCh37 (hg19) VCF-style: chrX-53561108-G-C.
Identifiers: ClinVar variation 2502707 (VCV002502707.3), dbSNP rs149307907, ClinGen allele CA10421118.